The following is an entry in ClinVar:

NM_001059.3(TACR3):c.579C>T (p.Pro193=)

Gene: TACR3 (tachykinin receptor 3; minus strand). Cytogenetic location: 4q24.
Variant type: single nucleotide variant.
Coding change: c.579C>T on transcript NM_001059.3 (MANE Select); coding-DNA position 579, C replaced by T.
Protein change: p.Pro193=; no amino-acid change (proline 193 retained).
Molecular consequence: synonymous variant.
Genome position (GRCh38, 1-based): chr4:103,658,373, G>A on the plus strand (C>T on the coding strand, the complement: TACR3 is on the minus strand). VCF-style: chr4-103658373-G-A. GRCh37 (hg19) VCF-style: chr4-104579530-G-A.
Identifiers: ClinVar variation 347113 (VCV000347113.45), dbSNP rs62340657, ClinGen allele CA3031090.

ClinVar aggregate classification (germline): Conflicting classifications of pathogenicity. Review status: criteria provided, conflicting classifications (1 of 4 stars). 5 submissions from 5 submitters: Uncertain significance (1); Benign (1); Likely benign (2). 1 of the submissions does not count toward it. Last evaluated 2026-01-15.

Conditions:
Hypogonadotropic hypogonadism 11 with or without anosmia (HH11). Also called: TACR3-Related GnRH Deficiency; HYPOGONADOTROPIC HYPOGONADISM 11 WITHOUT ANOSMIA. Identifiers: Orphanet 478, MedGen C3553844, MONDO:0013913, OMIM 614840.
TACR3-related disorder. Also called: TACR3-related condition.

Allele frequency attached by ClinVar (database versions not stated): 1000 Genomes Project 0.00040; 1000 Genomes Project 30x 0.00047; ESP Exome Variant Server 0.00154; TOPMed 0.00156; gnomAD 0.00164 and 0.00167; gnomAD exomes 0.00178 and 0.00266; ExAC 0.00201.
gnomAD v4.1: 4,121 of 1,613,736 alleles (0.26%); highest among the groups gnomAD compares: Non-Finnish European, 0.32%; 7 homozygotes.

Submissions (5):

Labcorp Genetics (formerly Invitae), Labcorp
Classification: Benign. Last evaluated: 2026-01-15. Review status: criteria provided, single submitter. Criteria: Invitae Variant Classification Sherloc (09022015). Collection method: clinical testing. Allele origin: germline.

Blueprint Genetics
Classification: Likely benign. Last evaluated: 2024-11-25. Review status: criteria provided, single submitter. Criteria: ACMG Guidelines, 2015. Collection method: clinical testing. Allele origin: germline.

CeGaT Center for Human Genetics Tuebingen
Classification: Likely benign. Last evaluated: 2022-08-01. Review status: criteria provided, single submitter. Criteria: CeGaT Center For Human Genetics Tuebingen Variant Classification Criteria Version 2. Collection method: clinical testing. Allele origin: germline. Affected: yes. Observed: 2 variant alleles.
Comment: TACR3: BP4, BS2

Illumina Laboratory Services, Illumina
Classification: Uncertain significance for Hypogonadotropic hypogonadism 11 with or without anosmia. Last evaluated: 2018-01-13. Review status: criteria provided, single submitter. Criteria: ICSL Variant Classification Criteria 13 December 2019. Collection method: clinical testing. Allele origin: germline.

PreventionGenetics, part of Exact Sciences
Classification: Likely benign for TACR3-related condition. Last evaluated: 2022-05-12. Review status: no assertion criteria provided. Collection method: clinical testing. Allele origin: germline. Not counted in ClinVar's aggregate classification.
Comment: This variant is classified as likely benign based on ACMG/AMP sequence variant interpretation guidelines (Richards et al. 2015 PMID: 25741868, with internal and published modifications).